The following is an entry in ClinVar:

ClinVar aggregate classification (germline): Likely benign (1 of 4 stars; one submission).

Conditions:
Cystic fibrosis (CF). Also called: MUCOVISCIDOSIS. Identifiers: Orphanet 586, MedGen C0010674, MONDO:0009061, OMIM 219700. Disease mechanism: loss of function.

gnomAD v4.1: 1 of 151,946 alleles (0.00066%); highest among the groups gnomAD compares: Non-Finnish European, 0.0015%; no homozygotes.

Submission:

Johns Hopkins Genomics, Johns Hopkins University
Classification: Likely benign for Cystic fibrosis. Last evaluated: 2024-05-08. Review status: criteria provided, single submitter. Criteria: ACMG Guidelines, 2015. Collection method: clinical testing. Allele origin: germline.
Comment: PM2, PP4, BP4, BP7

NM_000492.4(CFTR):c.3718-3964G>T

Genes: CFTR (CF transmembrane conductance regulator; plus strand), CFTR-AS2 (CFTR antisense RNA 2; minus strand). Cytogenetic location: 7q31.2.
Variant type: single nucleotide variant.
Coding change: c.3718-3964G>T on transcript NM_000492.4 (MANE Select); 3964 bases into the intron before coding-DNA position 3718, G replaced by T.
Molecular consequence: intron variant.
Genome position (GRCh38, 1-based): chr7:117,638,474, G>T. VCF-style: chr7-117638474-G-T. GRCh37 (hg19) VCF-style: chr7-117278528-G-T.
Identifiers: ClinVar variation 4280061 (VCV004280061.1).